The following is an entry in ClinVar:

NM_002662.5(PLD1):c.3125G>T (p.Gly1042Val)

Gene: PLD1 (phospholipase D1; minus strand). Cytogenetic location: 3q26.31.
Variant type: single nucleotide variant.
Coding change: c.3125G>T on transcript NM_002662.5 (MANE Select); coding-DNA position 3125, G replaced by T.
Protein change: p.Gly1042Val; replaces glycine 1042 with valine.
Molecular consequence: missense variant.
Genome position (GRCh38, 1-based): chr3:171,603,178, C>A on the plus strand (G>T on the coding strand, the complement: PLD1 is on the minus strand). VCF-style: chr3-171603178-C-A. GRCh37 (hg19) VCF-style: chr3-171320968-C-A.
Other names: c.3011G>T, p.Gly1004Val (NM_001130081.3); short protein forms G1004V, G1042V.
Identifiers: ClinVar variation 1702839 (VCV001702839.4), dbSNP rs756297631, ClinGen allele CA355528266.

ClinVar aggregate classification (germline): Uncertain significance. Review status: criteria provided, multiple submitters, no conflicts (2 of 4 stars). 2 submissions from 2 submitters: Uncertain significance (2). Last evaluated 2026-07-01.

Conditions:
Inborn genetic diseases. Identifiers: MedGen C0950123, MeSH D030342.

gnomAD v4.1: 3 of 1,614,108 alleles (0.00019%); highest among the groups gnomAD compares: South Asian, 0.0011%; no homozygotes.

Submissions (2):

GeneDx
Classification: Uncertain significance. Last evaluated: 2026-07-01. Review status: criteria provided, single submitter. Criteria: GeneDx Variant Classification Process June 2021. Collection method: clinical testing. Allele origin: germline.
Comment: Not observed at significant frequency in large population cohorts (gnomAD); In silico analysis supports that this missense variant has a deleterious effect on protein structure/function; Has not been previously published as pathogenic or benign to our knowledge

Ambry Genetics
Classification: Uncertain significance for Inborn genetic diseases. Last evaluated: 2025-12-09. Review status: criteria provided, single submitter. Criteria: Ambry Variant Classification Scheme 2023. Collection method: clinical testing. Allele origin: germline.